The following is an entry in ClinVar:

ClinVar aggregate classification (germline): Likely benign (1 of 4 stars; one submission).

gnomAD v4.1: 122 of 1,613,850 alleles (0.0076%); highest among the groups gnomAD compares: South Asian, 0.083%; 1 homozygote.

Submission:

Molecular Diagnostic Laboratory for Inherited Cardiovascular Disease, Montreal Heart Institute
Classification: Likely benign. Last evaluated: 2025-07-24. Review status: criteria provided, single submitter. Criteria: ACMG Guidelines, 2015. Collection method: clinical testing. Allele origin: germline. Affected: no.
Comment: BS1, BP4

NM_198060.4(NRAP):c.1939G>A (p.Ala647Thr)

Gene: NRAP (nebulin related anchoring protein; minus strand). Cytogenetic location: 10q25.3.
Variant type: single nucleotide variant.
Coding change: c.1939G>A on transcript NM_198060.4 (MANE Select); coding-DNA position 1939, G replaced by A.
Protein change: p.Ala647Thr; replaces alanine 647 with threonine.
Molecular consequence: missense variant.
Genome position (GRCh38, 1-based): chr10:113,629,689, C>T on the plus strand (G>A on the coding strand, the complement: NRAP is on the minus strand). VCF-style: chr10-113629689-C-T. GRCh37 (hg19) VCF-style: chr10-115389448-C-T.
Other names: c.1939G>A, p.Ala647Thr (NM_001261463.2, NM_001322945.2); c.1834G>A, p.Ala612Thr (NM_006175.5); short protein forms A612T, A647T.
Identifiers: ClinVar variation 3895141 (VCV003895141.2), dbSNP rs2286734.